The following is an entry in ClinVar:

NM_001267550.2(TTN):c.88591C>T (p.Leu29531Phe)

Genes: TTN (titin; minus strand), TTN-AS1 (TTN antisense RNA 1; plus strand). Cytogenetic location: 2q31.2.
Variant type: single nucleotide variant.
Coding change: c.88591C>T on transcript NM_001267550.2 (MANE Select); coding-DNA position 88591, C replaced by T.
Protein change: p.Leu29531Phe; replaces leucine 29531 with phenylalanine.
Molecular consequence: missense variant.
Genome position (GRCh38, 1-based): chr2:178,554,868, G>A on the plus strand (C>T on the coding strand, the complement: TTN is on the minus strand). VCF-style: chr2-178554868-G-A. GRCh37 (hg19) VCF-style: chr2-179419595-G-A.
Other names: p.L27890F:CTT>TTT; c.83668C>T, p.Leu27890Phe (NM_001256850.1); c.61396C>T, p.Leu20466Phe (NM_003319.4); c.80887C>T, p.Leu26963Phe (NM_133378.4); c.61771C>T, p.Leu20591Phe (NM_133432.3); c.61972C>T, p.Leu20658Phe (NM_133437.4); short protein forms L27890F, L29531F, L20591F, L20466F, L26963F, L20658F.
Identifiers: ClinVar variation 202950 (VCV000202950.9), dbSNP rs371483198, ClinGen allele CA310784.

ClinVar aggregate classification (germline): Conflicting classifications of pathogenicity. Review status: criteria provided, conflicting classifications (1 of 4 stars). 5 submissions from 5 submitters: Uncertain significance (2); Likely benign (1). 2 of the submissions do not count toward it. Last evaluated 2026-07-02.

Conditions:
TTN-related disorder. Also called: TTN-related condition; TTN-related disease; TTN-related disorders.

Allele frequency attached by ClinVar (database versions not stated): gnomAD exomes 0.00001 and 0.00002; ExAC 0.00003; gnomAD 0.00003 and 0.00004; TOPMed 0.00010; ESP Exome Variant Server 0.00016.
gnomAD v4.1: 15 of 1,613,702 alleles (0.00093%); highest among the groups gnomAD compares: African/African-American, 0.011%; no homozygotes.

Submissions (5):

PreventionGenetics, part of Exact Sciences
Classification: Uncertain significance for TTN-related condition. Last evaluated: 2026-07-02. Review status: criteria provided, single submitter. Criteria: ACMG Guidelines, 2015. Collection method: clinical testing. Allele origin: germline.
Comment: The TTN c.88591C>T variant is predicted to result in the amino acid substitution p.Leu29531Phe. This variant, also known as c.80887C>T (p.Leu26963Phe) in an alternate transcript (NM_133378.4), has been reported with uncertain significance in an individual from a pediatric dilated cardiomyopathy cohort (Supplemental Table II, van der Meulen et al. 2022. PubMed ID: 36178741). This variant is reported in 0.017% of alleles in individuals of African descent in gnomAD. At this time, the clinical significance of this variant is uncertain due to the absence of conclusive functional and genetic evidence.

GeneDx
Classification: Likely benign. Last evaluated: 2021-04-26. Review status: criteria provided, single submitter. Criteria: GeneDx Variant Classification Process June 2021. Collection method: clinical testing. Allele origin: germline. Affected: yes.

Revvity Omics, Revvity
Classification: Uncertain significance. Last evaluated: 2020-01-31. Review status: criteria provided, single submitter. Criteria: ACMG Guidelines, 2015. Collection method: clinical testing. Allele origin: germline.

Clinical Genetics DNA and cytogenetics Diagnostics Lab, Erasmus MC, Erasmus Medical Center
Classification: Uncertain significance. Review status: no assertion criteria provided. Collection method: clinical testing. Allele origin: germline. Affected: yes. Study: VKGL Data-share Consensus. Not counted in ClinVar's aggregate classification.

Clinical Genetics, Academic Medical Center
Classification: Uncertain significance. Review status: no assertion criteria provided. Collection method: clinical testing. Allele origin: germline. Affected: yes. Study: VKGL Data-share Consensus. Not counted in ClinVar's aggregate classification.